The following is an entry in ClinVar:

NM_005391.5(PDK3):c.863T>C (p.Leu288Pro)

Gene: PDK3 (pyruvate dehydrogenase kinase 3; plus strand). Cytogenetic location: Xp22.11.
Variant type: single nucleotide variant.
Coding change: c.863T>C on transcript NM_005391.5 (MANE Select); coding-DNA position 863, T replaced by C.
Protein change: p.Leu288Pro; replaces leucine 288 with proline.
Molecular consequence: missense variant.
Genome position (GRCh38, 1-based): chrX:24,528,086, T>C. VCF-style: chrX-24528086-T-C. GRCh37 (hg19) VCF-style: chrX-24546203-T-C.
Other names: c.863T>C, p.Leu288Pro (NM_001142386.3); short protein forms L288P.
Identifiers: ClinVar variation 3660588 (VCV003660588.2).

ClinVar aggregate classification (germline): Uncertain significance (1 of 4 stars; one submission).

Conditions:
Charcot-Marie-Tooth disease X-linked dominant 6. Also called: CHARCOT-MARIE-TOOTH NEUROPATHY, X-LINKED DOMINANT, 6. Identifiers: Orphanet 352675, MedGen C3806702, MONDO:0010479, OMIM 300905.

Submission:

Labcorp Genetics (formerly Invitae), Labcorp
Classification: Uncertain significance for Charcot-Marie-Tooth disease X-linked dominant 6. Last evaluated: 2024-07-25. Review status: criteria provided, single submitter. Criteria: Invitae Variant Classification Sherloc (09022015). Collection method: clinical testing. Allele origin: germline.
Comment: This sequence change replaces leucine, which is neutral and non-polar, with proline, which is neutral and non-polar, at codon 288 of the PDK3 protein (p.Leu288Pro). This variant is not present in population databases (gnomAD no frequency). This variant has not been reported in the literature in individuals affected with PDK3-related conditions. Advanced modeling of protein sequence and biophysical properties (such as structural, functional, and spatial information, amino acid conservation, physicochemical variation, residue mobility, and thermodynamic stability) performed at Invitae indicates that this missense variant is not expected to disrupt PDK3 protein function with a negative predictive value of 80%. In summary, the available evidence is currently insufficient to determine the role of this variant in disease. Therefore, it has been classified as a Variant of Uncertain Significance.